The following is an entry in ClinVar:

NM_001903.5(CTNNA1):c.2033A>G (p.Gln678Arg)

Gene: CTNNA1 (catenin alpha 1; plus strand). Cytogenetic location: 5q31.2.
Variant type: single nucleotide variant.
Coding change: c.2033A>G on transcript NM_001903.5 (MANE Select); coding-DNA position 2033, A replaced by G.
Protein change: p.Gln678Arg; replaces glutamine 678 with arginine.
Molecular consequence: missense variant.
Genome position (GRCh38, 1-based): chr5:138,930,495, A>G. VCF-style: chr5-138930495-A-G. GRCh37 (hg19) VCF-style: chr5-138266184-A-G.
Other names: c.2033A>G (NM_001903.2); c.2033A>G, p.Gln678Arg (NM_001290307.3, NM_001323982.2, NM_001323983.1 and 2 more transcripts); c.1724A>G, p.Gln575Arg (NM_001290309.3); c.1664A>G, p.Gln555Arg (NM_001290310.3); c.923A>G, p.Gln308Arg (NM_001290312.1, NM_001323987.1, NM_001323988.1 and 17 more transcripts); c.1940A>G, p.Gln647Arg (NM_001323986.2); c.584A>G, p.Gln195Arg (NM_001324006.1, NM_001324007.1, NM_001324008.1 and 2 more transcripts); c.830A>G, p.Gln277Arg (NM_001324011.1); and 1 more; short protein forms Q195R, Q308R, Q277R, Q678R, Q227R, Q555R, Q647R, Q575R.
Identifiers: ClinVar variation 1486013 (VCV001486013.9), dbSNP rs755223739, ClinGen allele CA361133340.

ClinVar aggregate classification (germline): Uncertain significance. Review status: criteria provided, multiple submitters, no conflicts (2 of 4 stars). 2 submissions from 2 submitters: Uncertain significance (2). Last evaluated 2023-04-14.

Conditions:
Hereditary cancer-predisposing syndrome. Also called: Hereditary neoplastic syndrome; Neoplastic Syndromes, Hereditary; Hereditary Cancer Syndrome; Tumor predisposition. Identifiers: Orphanet 140162, MedGen C0027672, MeSH D009386, MONDO:0015356.

Submissions (2):

Ambry Genetics
Classification: Uncertain significance for Hereditary cancer-predisposing syndrome. Last evaluated: 2023-04-14. Review status: criteria provided, single submitter. Criteria: Ambry Variant Classification Scheme 2023. Collection method: clinical testing. Allele origin: germline.
Comment: The p.Q678R variant (also known as c.2033A>G), located in coding exon 14 of the CTNNA1 gene, results from an A to G substitution at nucleotide position 2033. The glutamine at codon 678 is replaced by arginine, an amino acid with highly similar properties. This amino acid position is conserved. In addition, the in silico prediction for this alteration is inconclusive. Since supporting evidence is limited at this time, the clinical significance of this alteration remains unclear.

Labcorp Genetics (formerly Invitae), Labcorp
Classification: Uncertain significance. Last evaluated: 2021-01-30. Review status: criteria provided, single submitter. Criteria: Invitae Variant Classification Sherloc (09022015). Collection method: clinical testing. Allele origin: germline.
Comment: In summary, the available evidence is currently insufficient to determine the role of this variant in disease. Therefore, it has been classified as a Variant of Uncertain Significance. Algorithms developed to predict the effect of missense changes on protein structure and function are either unavailable or do not agree on the potential impact of this missense change (SIFT: "Deleterious"; PolyPhen-2: "Benign"; Align-GVGD: "Class C0"). This variant has not been reported in the literature in individuals with CTNNA1-related conditions. This variant is not present in population databases (ExAC no frequency). This sequence change replaces glutamine with arginine at codon 678 of the CTNNA1 protein (p.Gln678Arg). The glutamine residue is highly conserved and there is a small physicochemical difference between glutamine and arginine.